The following is an entry in ClinVar:

NM_031483.7(ITCH):c.716G>T (p.Ser239Ile)

Gene: ITCH (itchy E3 ubiquitin protein ligase; plus strand). Cytogenetic location: 20q11.22.
Variant type: single nucleotide variant.
Coding change: c.716G>T on transcript NM_031483.7 (MANE Select); coding-DNA position 716, G replaced by T.
Protein change: p.Ser239Ile; replaces serine 239 with isoleucine.
Molecular consequence: missense variant.
Genome position (GRCh38, 1-based): chr20:34,440,191, G>T. VCF-style: chr20-34440191-G-T. GRCh37 (hg19) VCF-style: chr20-33027996-G-T.
Other names: c.839G>T, p.Ser280Ile (NM_001257137.3, NM_001324197.2); c.386G>T, p.Ser129Ile (NM_001257138.3); c.716G>T, p.Ser239Ile (NM_001324198.2); short protein forms S129I, S280I, S239I.
Identifiers: ClinVar variation 2060422 (VCV002060422.3), dbSNP rs145113977, ClinGen allele CA9821420.

ClinVar aggregate classification (germline): Uncertain significance. Review status: criteria provided, multiple submitters, no conflicts (2 of 4 stars). 2 submissions from 2 submitters: Uncertain significance (2). Last evaluated 2024-01-09.

Conditions:
Inborn genetic diseases. Identifiers: MedGen C0950123, MeSH D030342.
Syndromic multisystem autoimmune disease due to ITCH deficiency. Also called: AUTOIMMUNE DISEASE, MULTISYSTEM, WITH FACIAL DYSMORPHISM. Identifiers: Orphanet 228426, MedGen C3150649, MONDO:0013245, OMIM 613385.

Allele frequency attached by ClinVar (database versions not stated): ExAC 0.00003; gnomAD 0.00003; TOPMed 0.00005; ESP Exome Variant Server 0.00008.
gnomAD v4.1: 23 of 1,613,704 alleles (0.0014%); highest among the groups gnomAD compares: East Asian, 0.045%; no homozygotes.

Submissions (2):

Ambry Genetics
Classification: Uncertain significance for Inborn genetic diseases. Last evaluated: 2024-01-09. Review status: criteria provided, single submitter. Criteria: Ambry Variant Classification Scheme 2023. Collection method: clinical testing. Allele origin: germline.

Labcorp Genetics (formerly Invitae), Labcorp
Classification: Uncertain significance for Syndromic multisystem autoimmune disease due to ITCH deficiency. Last evaluated: 2022-05-09. Review status: criteria provided, single submitter. Criteria: Invitae Variant Classification Sherloc (09022015). Collection method: clinical testing. Allele origin: germline.
Comment: This sequence change replaces serine, which is neutral and polar, with isoleucine, which is neutral and non-polar, at codon 239 of the ITCH protein (p.Ser239Ile). This variant is present in population databases (rs145113977, gnomAD 0.07%). This variant has not been reported in the literature in individuals affected with ITCH-related conditions. Algorithms developed to predict the effect of missense changes on protein structure and function are either unavailable or do not agree on the potential impact of this missense change (SIFT: "Not Available"; PolyPhen-2: "Benign"; Align-GVGD: "Not Available"). In summary, the available evidence is currently insufficient to determine the role of this variant in disease. Therefore, it has been classified as a Variant of Uncertain Significance.